The following is an entry in ClinVar:

ClinVar aggregate classification (germline): Benign. Review status: criteria provided, multiple submitters, no conflicts (2 of 4 stars). 3 submissions from 3 submitters: Benign (2). 1 of the submissions does not count toward it. Last evaluated 2019-12-31.

Conditions:
MEPE-related disorder. Also called: MEPE-related condition.

Allele frequency attached by ClinVar (database versions not stated): gnomAD exomes 0.00068 and 0.00196; ExAC 0.00243; ESP Exome Variant Server 0.00615; gnomAD 0.00663 and 0.00712; TOPMed 0.00721; 1000 Genomes Project 0.01178; 1000 Genomes Project 30x 0.01280.
gnomAD v4.1: 2,045 of 1,614,048 alleles (0.13%); highest among the groups gnomAD compares: African/African-American, 2.3%; 22 homozygotes.

Submissions (3):

Labcorp Genetics (formerly Invitae), Labcorp
Classification: Benign. Last evaluated: 2019-12-31. Review status: criteria provided, single submitter. Criteria: Invitae Variant Classification Sherloc (09022015). Collection method: clinical testing. Allele origin: germline.

Breakthrough Genomics
Classification: Benign. Review status: criteria provided, single submitter. Criteria: ACMG Guidelines, 2015. Collection method: not provided. Allele origin: germline. Inheritance: Unknown mechanism. Affected: yes.

PreventionGenetics, part of Exact Sciences
Classification: Benign for MEPE-related condition. Last evaluated: 2019-10-28. Review status: no assertion criteria provided. Collection method: clinical testing. Allele origin: germline. Not counted in ClinVar's aggregate classification.
Comment: This variant is classified as benign based on ACMG/AMP sequence variant interpretation guidelines (Richards et al. 2015 PMID: 25741868, with internal and published modifications).

NM_020203.6(MEPE):c.1171G>A (p.Ala391Thr)

Genes: MEPE (matrix extracellular phosphoglycoprotein; plus strand), MEPE-AS1 (MEPE and IBSP antisense RNA 1; minus strand). Cytogenetic location: 4q22.1.
Variant type: single nucleotide variant.
Coding change: c.1171G>A on transcript NM_020203.6 (MANE Select); coding-DNA position 1171, G replaced by A.
Protein change: p.Ala391Thr; replaces alanine 391 with threonine.
Molecular consequence: missense variant.
Genome position (GRCh38, 1-based): chr4:87,846,039, G>A. VCF-style: chr4-87846039-G-A. GRCh37 (hg19) VCF-style: chr4-88767191-G-A.
Other names: c.1171G>A, p.Ala391Thr (NM_001184694.3); c.832G>A, p.Ala278Thr (NM_001184695.4, NM_001184696.2, NM_001184697.2); c.1264G>A, p.Ala422Thr (NM_001291183.2); short protein forms A278T, A391T, A422T.
Identifiers: ClinVar variation 767958 (VCV000767958.7), dbSNP rs79592550, ClinGen allele CA3002799.